The following is an entry in ClinVar:

ClinVar aggregate classification (germline): Conflicting classifications of pathogenicity. Review status: criteria provided, conflicting classifications (1 of 4 stars). 2 submissions from 2 submitters: Pathogenic (1); Benign (1). Last evaluated 2019-05-28.

Conditions:
Wolfram syndrome 1 (WFS1). Identifiers: Orphanet 3463, MedGen C4551693, MONDO:0009101, OMIM 222300.

Submissions (2):

Mendelics
Classification: Pathogenic for Wolfram syndrome 1. Last evaluated: 2019-05-28. Review status: criteria provided, single submitter. Criteria: Mendelics Assertion Criteria 2017. Collection method: clinical testing. Allele origin: unknown.

Clinical Genomics, Uppaluri K&H Personalized Medicine Clinic
Classification: Benign for Wolfram syndrome 1. Review status: criteria provided, single submitter. Criteria: K & H Uppaluri Personalized Medicine Clinic Variant Classification & Assertion Criteria_Updated V.1. Collection method: research. Allele origin: unknown. Inheritance: Autosomal recessive inheritance.
Comment: Potent mutations in WFS1 gene are associated with Wolfram's syndrome, an autosomal recessive condition, which cause diabetes mellitus, diabetes insipidus, deafness and optic atrophy. However no sufficient evidence is found to ascertain the role of this particular variant rs1578611240 in Wolfram's syndrome yet.

Literature cited by the submitters: PubMed 20738327 (cited by Clinical Genomics, Uppaluri K&H Personalized Medicine Clinic); PubMed 33879153 (cited by Clinical Genomics, Uppaluri K&H Personalized Medicine Clinic); PubMed 12955714 (cited by Clinical Genomics, Uppaluri K&H Personalized Medicine Clinic); PubMed 18060660 (cited by Clinical Genomics, Uppaluri K&H Personalized Medicine Clinic); PubMed 20301750 (cited by Clinical Genomics, Uppaluri K&H Personalized Medicine Clinic); PubMed 17603484 (cited by Clinical Genomics, Uppaluri K&H Personalized Medicine Clinic).

NM_006005.3(WFS1):c.1829del (p.Leu610fs)

Gene: WFS1 (wolframin ER transmembrane glycoprotein; plus strand). Cytogenetic location: 4p16.1.
Variant type: Deletion.
Coding change: c.1829del on transcript NM_006005.3 (MANE Select); coding-DNA position 1829, one base deleted (T; older notation c.1829delT).
Protein change: p.Leu610fs; shifts the reading frame from leucine 610.
Molecular consequence: frameshift variant.
Genome position (GRCh38, 1-based): chr4:6,301,624, T deleted; the last of 2 consecutive T bases (chr4:6,301,623-6,301,624); deleting either gives the same sequence. VCF-style (leftmost placement, unchanged base first): chr4-6301622-GT-G. GRCh37 (hg19) VCF-style: chr4-6303349-GT-G.
Other names: c.1829del, p.Leu610fs (NM_001145853.1); short protein forms L610fs.
Identifiers: ClinVar variation 802051 (VCV000802051.2), dbSNP rs1578611240, ClinGen allele CA915944125.
Genomic context (GRCh38, chr4:6,301,622, plus strand): 5'-CACGTCTCTGGAGCTCACCAAGATCGCAGTCACCGTGGCGGTCTGTAGTGTGCCCCTGCT[GT>G]TGCGCTGGTGGACCAAGGCCAGCTTCTCTGTGGTGGGGATGGTGAAGTCCCTGACGCGGA-3'